The following is an entry in ClinVar:

NM_014762.4(DHCR24):c.266T>A (p.Phe89Tyr)

Gene: DHCR24 (24-dehydrocholesterol reductase; minus strand). Cytogenetic location: 1p32.3.
Variant type: single nucleotide variant.
Coding change: c.266T>A on transcript NM_014762.4 (MANE Select); coding-DNA position 266, T replaced by A.
Protein change: p.Phe89Tyr; replaces phenylalanine 89 with tyrosine.
Molecular consequence: missense variant.
Genome position (GRCh38, 1-based): chr1:54,883,739, A>T on the plus strand (T>A on the coding strand, the complement: DHCR24 is on the minus strand). VCF-style: chr1-54883739-A-T. GRCh37 (hg19) VCF-style: chr1-55349412-A-T.
Other names: c.266T>A (NM_014762.3); short protein forms F89Y.
Identifiers: ClinVar variation 2171230 (VCV002171230.4), dbSNP rs1272506088, ClinGen allele CA340465092.

ClinVar aggregate classification (germline): Uncertain significance. Review status: criteria provided, multiple submitters, no conflicts (2 of 4 stars). 2 submissions from 2 submitters: Uncertain significance (2). Last evaluated 2024-11-11.

Conditions:
Inborn genetic diseases. Identifiers: MedGen C0950123, MeSH D030342.

Allele frequency attached by ClinVar (database versions not stated): gnomAD 0.00001; gnomAD exomes 0.00001; TOPMed 0.00008.
gnomAD v4.1: 6 of 1,614,078 alleles (0.00037%); highest among the groups gnomAD compares: Admixed American, 0.0083%; no homozygotes.

Submissions (2):

Labcorp Genetics (formerly Invitae), Labcorp
Classification: Uncertain significance. Last evaluated: 2024-11-11. Review status: criteria provided, single submitter. Criteria: Invitae Variant Classification Sherloc (09022015). Collection method: clinical testing. Allele origin: germline.
Comment: This sequence change replaces phenylalanine, which is neutral and non-polar, with tyrosine, which is neutral and polar, at codon 89 of the DHCR24 protein (p.Phe89Tyr). This variant is not present in population databases (gnomAD no frequency). This variant has not been reported in the literature in individuals affected with DHCR24-related conditions. ClinVar contains an entry for this variant (Variation ID: 2171230). Invitae Evidence Modeling of protein sequence and biophysical properties (such as structural, functional, and spatial information, amino acid conservation, physicochemical variation, residue mobility, and thermodynamic stability) indicates that this missense variant is not expected to disrupt DHCR24 protein function with a negative predictive value of 80%. In summary, the available evidence is currently insufficient to determine the role of this variant in disease. Therefore, it has been classified as a Variant of Uncertain Significance.

Ambry Genetics
Classification: Uncertain significance for Inborn genetic diseases. Last evaluated: 2024-09-02. Review status: criteria provided, single submitter. Criteria: Ambry Variant Classification Scheme 2023. Collection method: clinical testing. Allele origin: germline.